The following is an entry in ClinVar:

NM_004104.5(FASN):c.6578A>C (p.Lys2193Thr)

Gene: FASN (fatty acid synthase; minus strand). Cytogenetic location: 17q25.3.
Variant type: single nucleotide variant.
Coding change: c.6578A>C on transcript NM_004104.5 (MANE Select); coding-DNA position 6578, A replaced by C.
Protein change: p.Lys2193Thr; replaces lysine 2193 with threonine.
Molecular consequence: missense variant.
Genome position (GRCh38, 1-based): chr17:82,081,181, T>G on the plus strand (A>C on the coding strand, the complement: FASN is on the minus strand). VCF-style: chr17-82081181-T-G. GRCh37 (hg19) VCF-style: chr17-80039057-T-G.
Other names: short protein forms K2193T.
Identifiers: ClinVar variation 2840133 (VCV002840133.3), dbSNP rs2509828435, ClinGen allele CA401599947.

ClinVar aggregate classification (germline): Uncertain significance (1 of 4 stars; one submission).

Conditions:
Epileptic encephalopathy. Identifiers: MedGen C0543888, HP:0200134.

Submission:

Labcorp Genetics (formerly Invitae), Labcorp
Classification: Uncertain significance for Epileptic encephalopathy. Last evaluated: 2023-02-23. Review status: criteria provided, single submitter. Criteria: Invitae Variant Classification Sherloc (09022015). Collection method: clinical testing. Allele origin: germline.
Comment: Algorithms developed to predict the effect of sequence changes on RNA splicing suggest that this variant may disrupt the consensus splice site. An algorithm developed to predict the effect of missense changes on protein structure and function (PolyPhen-2) suggests that this variant is likely to be tolerated. In summary, the available evidence is currently insufficient to determine the role of this variant in disease. Therefore, it has been classified as a Variant of Uncertain Significance. This sequence change replaces lysine, which is basic and polar, with threonine, which is neutral and polar, at codon 2193 of the FASN protein (p.Lys2193Thr). This variant is not present in population databases (gnomAD no frequency). This variant has not been reported in the literature in individuals affected with FASN-related conditions.